The following is an entry in ClinVar:

NM_001035.3(RYR2):c.5915A>G (p.Gln1972Arg)

Gene: RYR2 (ryanodine receptor 2; plus strand). Cytogenetic location: 1q43.
Variant type: single nucleotide variant.
Coding change: c.5915A>G on transcript NM_001035.3 (MANE Select); coding-DNA position 5915, A replaced by G.
Protein change: p.Gln1972Arg; replaces glutamine 1972 with arginine.
Molecular consequence: missense variant.
Genome position (GRCh38, 1-based): chr1:237,617,485, A>G. VCF-style: chr1-237617485-A-G. GRCh37 (hg19) VCF-style: chr1-237780785-A-G.
Other names: short protein forms Q1972R.
Identifiers: ClinVar variation 4756528 (VCV004756528.1).

ClinVar aggregate classification (germline): Uncertain significance (1 of 4 stars; one submission).

Conditions:
Cardiomyopathy (CMYO). Also called: Cardiomyopathies. Identifiers: Orphanet 167848, MedGen C0878544, MONDO:0004994, HP:0001638. Inheritance: Various modes of inheritance.

Submission:

Color Diagnostics, LLC DBA Color Health
Classification: Uncertain significance for Cardiomyopathy. Last evaluated: 2025-09-08. Review status: criteria provided, single submitter. Criteria: ACMG Guidelines, 2015. Collection method: clinical testing. Allele origin: germline.
Comment: This missense variant replaces glutamine with arginine at codon 1972 of the RYR2 protein. Computational prediction is inconclusive regarding the impact of this variant on protein structure and function. To our knowledge, functional studies have not been reported for this variant. This variant has not been reported in individuals affected with RYR2-related disorders in the literature. This variant has not been identified in the general population by the Genome Aggregation Database (gnomAD). The available evidence is insufficient to determine the role of this variant in disease conclusively. Therefore, this variant is classified as a Variant of Uncertain Significance.